The following is an entry in ClinVar:

ClinVar aggregate classification (germline): Conflicting classifications of pathogenicity. Review status: criteria provided, conflicting classifications (1 of 4 stars). 2 submissions from 2 submitters: Uncertain significance (1); Likely benign (1). Last evaluated 2023-03-23.

Conditions:
Hereditary cancer-predisposing syndrome. Also called: Hereditary neoplastic syndrome; Neoplastic Syndromes, Hereditary; Tumor predisposition; Hereditary Cancer Syndrome. Identifiers: Orphanet 140162, MedGen C0027672, MeSH D009386, MONDO:0015356.
Hereditary breast ovarian cancer syndrome. Also called: Hereditary breast and/or ovarian cancer syndrome; Hereditary breast and ovarian cancer syndrome; Hereditary breast and ovarian cancer syndrome (HBOC); Breast and ovarian cancer; BRCA1- and BRCA2-Associated Hereditary Breast and Ovarian Cancer; Hereditary breast and ovarian cancer. Identifiers: Orphanet 145, MedGen C0677776, MeSH D061325, MONDO:0003582. Disease mechanism: loss of function.

gnomAD v4.1: 1 of 1,613,978 alleles (0.000062%); highest among the groups gnomAD compares: Non-Finnish European, 0.000085%; no homozygotes.

Submissions (2):

University of Washington Department of Laboratory Medicine, University of Washington
Classification: Likely benign for Hereditary cancer-predisposing syndrome. Last evaluated: 2023-03-23. Review status: criteria provided, single submitter. Criteria: Dines et al. (Genet Med. 2020). Collection method: curation. Allele origin: germline.
Comment: Missense variant in a coldspot region where missense variants are very unlikely to be pathogenic (PMID:31911673).

BRCA2 exon 11 coldspot. Reclassification based on statistical prior probability.

Labcorp Genetics (formerly Invitae), Labcorp
Classification: Uncertain significance for Hereditary breast ovarian cancer syndrome. Last evaluated: 2020-01-08. Review status: criteria provided, single submitter. Criteria: Invitae Variant Classification Sherloc (09022015). Collection method: clinical testing. Allele origin: germline.
Comment: This variant is not present in population databases (ExAC no frequency). This sequence change replaces aspartic acid with valine at codon 2005 of the BRCA2 protein (p.Asp2005Val). The aspartic acid residue is weakly conserved and there is a large physicochemical difference between aspartic acid and valine. This variant has been observed in an individual affected with prostate cancer (PMID: 12474142). This variant is also known as c.6242A>T in the literature. In summary, the available evidence is currently insufficient to determine the role of this variant in disease. Therefore, it has been classified as a Variant of Uncertain Significance. Algorithms developed to predict the effect of sequence changes on RNA splicing suggest that this variant may create or strengthen a splice site, but this prediction has not been confirmed by published transcriptional studies. Algorithms developed to predict the effect of missense changes on protein structure and function are either unavailable or do not agree on the potential impact of this missense change (SIFT: "Tolerated"; PolyPhen-2: "Possibly Damaging"; Align-GVGD: "Class C0").

Literature cited by the submitters: PubMed 12474142 (cited by Labcorp Genetics (formerly Invitae), Labcorp).

NM_000059.4(BRCA2):c.6014A>T (p.Asp2005Val)

Gene: BRCA2 (BRCA2 DNA repair associated; plus strand). Cytogenetic location: 13q13.1.
Variant type: single nucleotide variant.
Coding change: c.6014A>T on transcript NM_000059.4 (MANE Select); coding-DNA position 6014, A replaced by T.
Protein change: p.Asp2005Val; replaces aspartic acid 2005 with valine.
Molecular consequence: missense variant.
Genome position (GRCh38, 1-based): chr13:32,340,369, A>T. VCF-style: chr13-32340369-A-T. GRCh37 (hg19) VCF-style: chr13-32914506-A-T.
Other names: short protein forms D2005V.
Identifiers: ClinVar variation 946434 (VCV000946434.11), dbSNP rs876658259, ClinGen allele CA387787720.
Genomic context (GRCh38, chr13:32,340,369, plus strand): 5'-CTGTCCAGGTATCAGATGCTTCATTACAAAACGCAAGACAAGTGTTTTCTGAAATAGAAG[A>T]TAGTACCAAGCAAGTCTTTTCCAAAGTATTGTTTAAAAGTAACGAACATTCAGACCAGCT-3'
Protein context (NP_000050.3, residues 1995-2015): NARQVFSEIE[Asp2005Val]STKQVFSKVL